The following is an entry in ClinVar:

ClinVar aggregate classification (germline): Uncertain significance (1 of 4 stars; one submission).

Conditions:
HOMER2-related disorder. Also called: HOMER2-related condition.

Submission:

PreventionGenetics, part of Exact Sciences
Classification: Uncertain significance for HOMER2-related condition. Last evaluated: 2023-01-03. Review status: criteria provided, single submitter. Criteria: ACMG Guidelines, 2015. Collection method: clinical testing. Allele origin: germline.
Comment: The HOMER2 c.944T>A variant is predicted to result in premature protein termination (p.Leu315*). To our knowledge, this variant has not been reported in the literature or in a large population database, indicating this variant is rare. At this time, the clinical significance of this variant is uncertain due to the absence of conclusive functional and genetic evidence.

NM_004839.4(HOMER2):c.944T>A (p.Leu315Ter)

Gene: HOMER2 (homer scaffold protein 2; minus strand). Cytogenetic location: 15q25.2.
Variant type: single nucleotide variant.
Coding change: c.944T>A on transcript NM_004839.4 (MANE Select); coding-DNA position 944, T replaced by A.
Protein change: p.Leu315Ter; replaces leucine 315 with a stop codon.
Molecular consequence: nonsense.
Genome position (GRCh38, 1-based): chr15:82,849,803, A>T on the plus strand (T>A on the coding strand, the complement: HOMER2 is on the minus strand). VCF-style: chr15-82849803-A-T. GRCh37 (hg19) VCF-style: chr15-83518555-A-T.
Other names: c.977T>A, p.Leu326Ter (NM_199330.3); short protein forms L315*, L326*.
Identifiers: ClinVar variation 2630024 (VCV002630024.1), dbSNP rs2505109303, ClinGen allele CA393319100.